The following is an entry in ClinVar:

ClinVar aggregate classification (germline): Pathogenic (1 of 4 stars; one submission).

gnomAD v4.1: 8 of 1,598,200 alleles (0.0005%); highest among the groups gnomAD compares: African/African-American, 0.0013%; no homozygotes.

Submission:

Labcorp Genetics (formerly Invitae), Labcorp
Classification: Pathogenic. Last evaluated: 2025-10-03. Review status: criteria provided, single submitter. Criteria: Invitae Variant Classification Sherloc (09022015). Collection method: clinical testing. Allele origin: germline.
Comment: This sequence change creates a premature translational stop signal (p.Arg1127*) in the ROBO1 gene. It is expected to result in an absent or disrupted protein product. Loss-of-function variants in ROBO1 are known to be pathogenic (PMID: 29194579, 35227688). This variant is present in population databases (rs765639480, gnomAD 0.0009%). This variant has not been reported in the literature in individuals affected with ROBO1-related conditions. For these reasons, this variant has been classified as Pathogenic.

Literature cited by the submitters: PubMed 29194579; PubMed 35227688.

NM_002941.4(ROBO1):c.3379C>T (p.Arg1127Ter)

Gene: ROBO1 (roundabout guidance receptor 1; minus strand). Cytogenetic location: 3p12.3.
Variant type: single nucleotide variant.
Coding change: c.3379C>T on transcript NM_002941.4 (MANE Select); coding-DNA position 3379, C replaced by T.
Protein change: p.Arg1127Ter; replaces arginine 1127 with a stop codon.
Molecular consequence: nonsense.
Genome position (GRCh38, 1-based): chr3:78,634,037, G>A on the plus strand (C>T on the coding strand, the complement: ROBO1 is on the minus strand). VCF-style: chr3-78634037-G-A. GRCh37 (hg19) VCF-style: chr3-78683187-G-A.
Other names: c.3079C>T, p.Arg1027Ter (NM_001145845.2); c.3244C>T, p.Arg1082Ter (NM_133631.4); short protein forms R1082*, R1027*, R1127*.
Identifiers: ClinVar variation 4759665 (VCV004759665.1).